The following is an entry in ClinVar:

ClinVar aggregate classification (germline): Benign/Likely benign. Review status: criteria provided, multiple submitters, no conflicts (2 of 4 stars). 5 submissions from 5 submitters: Benign (1); Likely benign (3). 1 of the submissions does not count toward it. Last evaluated 2026-03-04.

Conditions:
Interstitial lung disease due to ABCA3 deficiency. Also called: PULMONARY ALVEOLAR PROTEINOSIS, CONGENITAL, 3. Identifiers: Orphanet 440402, MedGen C1970456, MONDO:0012582, OMIM 610921.
ABCA3-related disorder. Also called: ABCA3-related condition.
Hereditary pulmonary alveolar proteinosis. Also called: Pulmonary surfactant metabolism dysfunction. Identifiers: Orphanet 264675, MedGen C3711368, MONDO:0012580.

Allele frequency attached by ClinVar (database versions not stated): gnomAD exomes 0.00006 and 0.00016; ESP Exome Variant Server 0.00023; ExAC 0.00029; gnomAD 0.00054; TOPMed 0.00058; 1000 Genomes Project 0.00080; 1000 Genomes Project 30x 0.00094.
gnomAD v4.1: 174 of 1,590,240 alleles (0.011%); highest among the groups gnomAD compares: African/African-American, 0.17%; no homozygotes.

Submissions (5):

Ambry Genetics
Classification: Benign for Hereditary pulmonary alveolar proteinosis. Last evaluated: 2026-03-04. Review status: criteria provided, single submitter. Criteria: Ambry Variant Classification Scheme 2023. Collection method: clinical testing. Allele origin: germline.

Labcorp Genetics (formerly Invitae), Labcorp
Classification: Likely benign. Last evaluated: 2026-02-02. Review status: criteria provided, single submitter. Criteria: Invitae Variant Classification Sherloc (09022015). Collection method: clinical testing. Allele origin: germline.

Blueprint Genetics
Classification: Likely benign. Last evaluated: 2024-03-23. Review status: criteria provided, single submitter. Criteria: ACMG Guidelines, 2015. Collection method: clinical testing. Allele origin: germline.

Johns Hopkins Genomics, Johns Hopkins University
Classification: Likely benign for Interstitial lung disease due to ABCA3 deficiency. Last evaluated: 2020-06-17. Review status: criteria provided, single submitter. Criteria: ACMG Guidelines, 2015. Collection method: clinical testing. Allele origin: germline.

PreventionGenetics, part of Exact Sciences
Classification: Likely benign for ABCA3-related condition. Last evaluated: 2020-10-07. Review status: no assertion criteria provided. Collection method: clinical testing. Allele origin: germline. Not counted in ClinVar's aggregate classification.
Comment: This variant is classified as likely benign based on ACMG/AMP sequence variant interpretation guidelines (Richards et al. 2015 PMID: 25741868, with internal and published modifications).

NM_001089.3(ABCA3):c.447+8G>A

Gene: ABCA3 (ATP binding cassette subfamily A member 3; minus strand). Cytogenetic location: 16p13.3.
Variant type: single nucleotide variant.
Coding change: c.447+8G>A on transcript NM_001089.3 (MANE Select); 8 bases into the intron after coding-DNA position 447, G replaced by A.
Molecular consequence: intron variant.
Genome position (GRCh38, 1-based): chr16:2,324,396, C>T on the plus strand (G>A on the coding strand, the complement: ABCA3 is on the minus strand). VCF-style: chr16-2324396-C-T. GRCh37 (hg19) VCF-style: chr16-2374397-C-T.
Other names: c.447+8G>A (NM_001089.2).
Identifiers: ClinVar variation 977096 (VCV000977096.15), dbSNP rs376429116, ClinGen allele CA7841664.